The following is an entry in ClinVar:

ClinVar aggregate classification (germline): Uncertain significance (1 of 4 stars; one submission).

Conditions:
Inborn genetic diseases. Identifiers: MedGen C0950123, MeSH D030342.

Submission:

Ambry Genetics
Classification: Uncertain significance for Inborn genetic diseases. Last evaluated: 2024-05-30. Review status: criteria provided, single submitter. Criteria: Ambry Variant Classification Scheme 2023. Collection method: clinical testing. Allele origin: germline.
Comment: The p.N328K variant (also known as c.984C>G), located in coding exon 8 of the EPAS1 gene, results from a C to G substitution at nucleotide position 984. The asparagine at codon 328 is replaced by lysine, an amino acid with similar properties. This amino acid position is conserved. In addition, this alteration is predicted to be tolerated by in silico analysis. Based on the available evidence, the clinical significance of this variant remains unclear.

NM_001430.5(EPAS1):c.984C>G (p.Asn328Lys)

Gene: EPAS1 (endothelial PAS domain protein 1; plus strand). Cytogenetic location: 2p21.
Variant type: single nucleotide variant.
Coding change: c.984C>G on transcript NM_001430.5 (MANE Select); coding-DNA position 984, C replaced by G.
Protein change: p.Asn328Lys; replaces asparagine 328 with lysine.
Molecular consequence: missense variant.
Genome position (GRCh38, 1-based): chr2:46,375,787, C>G. VCF-style: chr2-46375787-C-G. GRCh37 (hg19) VCF-style: chr2-46602926-C-G.
Other names: short protein forms N328K.
Identifiers: ClinVar variation 3275642 (VCV003275642.1).